The following is an entry in ClinVar:

ClinVar aggregate classification (germline): Uncertain significance (1 of 4 stars; one submission).

Submission:

Labcorp Genetics (formerly Invitae), Labcorp
Classification: Uncertain significance. Last evaluated: 2021-12-19. Review status: criteria provided, single submitter. Criteria: Invitae Variant Classification Sherloc (09022015). Collection method: clinical testing. Allele origin: germline.
Comment: In summary, the available evidence is currently insufficient to determine the role of this variant in disease. Therefore, it has been classified as a Variant of Uncertain Significance. Algorithms developed to predict the effect of missense changes on protein structure and function (SIFT, PolyPhen-2, Align-GVGD) all suggest that this variant is likely to be disruptive. This variant has not been reported in the literature in individuals affected with WHRN-related conditions. This variant is not present in population databases (gnomAD no frequency). This sequence change replaces glycine, which is neutral and non-polar, with valine, which is neutral and non-polar, at codon 291 of the WHRN protein (p.Gly291Val).

NM_015404.4(WHRN):c.872G>T (p.Gly291Val)

Gene: WHRN (whirlin; minus strand). Cytogenetic location: 9q32.
Variant type: single nucleotide variant.
Coding change: c.872G>T on transcript NM_015404.4 (MANE Select); coding-DNA position 872, G replaced by T.
Protein change: p.Gly291Val; replaces glycine 291 with valine.
Molecular consequence: missense variant. On other transcripts: 5 prime UTR variant (1).
Genome position (GRCh38, 1-based): chr9:114,466,358, C>A on the plus strand (G>T on the coding strand, the complement: WHRN is on the minus strand). VCF-style: chr9-114466358-C-A. GRCh37 (hg19) VCF-style: chr9-117228638-C-A.
Other names: c.-278G>T (NM_001083885.3); c.872G>T, p.Gly291Val (NM_001173425.2); short protein forms G291V.
Identifiers: ClinVar variation 2049044 (VCV002049044.4), dbSNP rs1467251899, ClinGen allele CA374619703.
Genomic context (GRCh38, chr9:114,466,358, plus strand): 5'-GGGTCCACGCCAGTGATGTAAATGCCAAGGCCGTACTCAGCTCCCCCACGGATCGTGAGG[C>A]CCAGGGACCGGCCGTCCCCCAGCACCAGGTTCACCTGTCAGAGGGAGAGGATAACATTAG-3'
Protein context (NP_056219.3, residues 281-301): NLVLGDGRSL[Gly291Val]LTIRGGAEYG